The following is an entry in ClinVar:

NM_031220.4(PITPNM3):c.1372G>C (p.Val458Leu)

Gene: PITPNM3 (PITPNM family member 3; minus strand). Cytogenetic location: 17p13.2.
Variant type: single nucleotide variant.
Coding change: c.1372G>C on transcript NM_031220.4 (MANE Select); coding-DNA position 1372, G replaced by C.
Protein change: p.Val458Leu; replaces valine 458 with leucine.
Molecular consequence: missense variant.
Genome position (GRCh38, 1-based): chr17:6,472,714, C>G on the plus strand (G>C on the coding strand, the complement: PITPNM3 is on the minus strand). VCF-style: chr17-6472714-C-G. GRCh37 (hg19) VCF-style: chr17-6376034-C-G.
Other names: c.1264G>C, p.Val422Leu (NM_001165966.2); short protein forms V422L, V458L.
Identifiers: ClinVar variation 3652997 (VCV003652997.2).

ClinVar aggregate classification (germline): Uncertain significance (1 of 4 stars; one submission).

Submission:

Labcorp Genetics (formerly Invitae), Labcorp
Classification: Uncertain significance. Last evaluated: 2024-05-10. Review status: criteria provided, single submitter. Criteria: Invitae Variant Classification Sherloc (09022015). Collection method: clinical testing. Allele origin: germline.
Comment: This sequence change replaces valine, which is neutral and non-polar, with leucine, which is neutral and non-polar, at codon 458 of the PITPNM3 protein (p.Val458Leu). This variant is not present in population databases (gnomAD no frequency). This variant has not been reported in the literature in individuals affected with PITPNM3-related conditions. Advanced modeling of protein sequence and biophysical properties (such as structural, functional, and spatial information, amino acid conservation, physicochemical variation, residue mobility, and thermodynamic stability) performed at Invitae indicates that this missense variant is not expected to disrupt PITPNM3 protein function with a negative predictive value of 80%. In summary, the available evidence is currently insufficient to determine the role of this variant in disease. Therefore, it has been classified as a Variant of Uncertain Significance.